The following is an entry in ClinVar:

NM_001288739.2(DNM1):c.1207T>C (p.Phe403Leu)

Gene: DNM1 (dynamin 1; plus strand). Cytogenetic location: 9q34.11.
Variant type: single nucleotide variant.
Coding change: c.1207T>C on transcript NM_001288739.2 (MANE Plus Clinical); coding-DNA position 1207, T replaced by C.
Protein change: p.Phe403Leu; replaces phenylalanine 403 with leucine.
Molecular consequence: missense variant. On other transcripts: intron variant (3).
Genome position (GRCh38, 1-based): chr9:128,226,045, T>C. VCF-style: chr9-128226045-T-C. GRCh37 (hg19) VCF-style: chr9-130988324-T-C.
Other names: c.1207T>C, p.Phe403Leu (NM_001288737.2, NM_001288738.2); c.1335+1656T>C (NM_001005336.3, NM_001374269.1, NM_004408.4); short protein forms F403L.
Identifiers: ClinVar variation 4075501 (VCV004075501.1).

ClinVar aggregate classification (germline): Uncertain significance (1 of 4 stars; one submission).

Submission:

GeneDx
Classification: Uncertain significance. Last evaluated: 2025-02-12. Review status: criteria provided, single submitter. Criteria: GeneDx Variant Classification Process June 2021. Collection method: clinical testing. Allele origin: germline. Affected: yes.
Comment: Not observed at significant frequency in large population cohorts (gnomAD); In silico analysis supports a deleterious effect on splicing; Has not been previously published as pathogenic or benign to our knowledge; Reported using an alternate transcript of the gene